The following is an entry in ClinVar:

NM_001281740.3(FHOD3):c.3072A>C (p.Pro1024=)

Gene: FHOD3 (formin homology 2 domain containing 3; plus strand). Cytogenetic location: 18q12.2.
Variant type: single nucleotide variant.
Coding change: c.3072A>C on transcript NM_001281740.3 (MANE Select); coding-DNA position 3072, A replaced by C.
Protein change: p.Pro1024=; no amino-acid change (proline 1024 retained).
Molecular consequence: synonymous variant.
Genome position (GRCh38, 1-based): chr18:36,718,370, A>C. VCF-style: chr18-36718370-A-C. GRCh37 (hg19) VCF-style: chr18-34298333-A-C.
Other names: c.2496A>C, p.Pro832= (NM_001281739.3); c.2547A>C, p.Pro849= (NM_025135.5); c.3072A>C (NM_001281740.2).
Identifiers: ClinVar variation 1267203 (VCV001267203.6), dbSNP rs1021276233, ClinGen allele CA8942007.

ClinVar aggregate classification (germline): Benign/Likely benign. Review status: criteria provided, multiple submitters, no conflicts (2 of 4 stars). 4 submissions from 4 submitters: Benign (2); Likely benign (1). 1 of the submissions does not count toward it. Last evaluated 2024-11-26.

Conditions:
FHOD3-related disorder. Also called: FHOD3-related condition.

Allele frequency attached by ClinVar (database versions not stated): ExAC 0.05584; gnomAD exomes 0.24503.

Submissions (4):

Blueprint Genetics
Classification: Likely benign. Last evaluated: 2024-11-26. Review status: criteria provided, single submitter. Criteria: ACMG Guidelines, 2015. Collection method: clinical testing. Allele origin: germline.

GeneDx
Classification: Benign. Last evaluated: 2021-05-06. Review status: criteria provided, single submitter. Criteria: GeneDx Variant Classification Process June 2021. Collection method: clinical testing. Allele origin: germline. Affected: yes.

Breakthrough Genomics
Classification: Benign. Review status: criteria provided, single submitter. Criteria: ACMG Guidelines, 2015. Collection method: not provided. Allele origin: germline. Inheritance: Autosomal dominant inheritance. Affected: yes.

PreventionGenetics, part of Exact Sciences
Classification: Likely benign for FHOD3-related condition. Last evaluated: 2023-04-26. Review status: no assertion criteria provided. Collection method: clinical testing. Allele origin: germline. Not counted in ClinVar's aggregate classification.
Comment: This variant is classified as likely benign based on ACMG/AMP sequence variant interpretation guidelines (Richards et al. 2015 PMID: 25741868, with internal and published modifications).